The following is an entry in ClinVar:

ClinVar aggregate classification (germline): Uncertain significance (1 of 4 stars; one submission).

Conditions:
Congenital disorder of glycosylation, type Iaa. Also called: Congenital disorder of glycosylation, type 1aa. Identifiers: MedGen C4310727, MONDO:0014904, OMIM 617082.

Allele frequency attached by ClinVar (database versions not stated): TOPMed 0.00002.

Submission:

Labcorp Genetics (formerly Invitae), Labcorp
Classification: Uncertain significance for Congenital disorder of glycosylation, type Iaa. Last evaluated: 2025-06-04. Review status: criteria provided, single submitter. Criteria: Invitae Variant Classification Sherloc (09022015). Collection method: clinical testing. Allele origin: germline.
Comment: This sequence change replaces aspartic acid, which is acidic and polar, with alanine, which is neutral and non-polar, at codon 199 of the NUS1 protein (p.Asp199Ala). This variant is present in population databases (no rsID available, gnomAD 0.0009%). This variant has not been reported in the literature in individuals affected with NUS1-related conditions. ClinVar contains an entry for this variant (Variation ID: 1371258). An algorithm developed to predict the effect of missense changes on protein structure and function (PolyPhen-2) suggests that this variant is likely to be tolerated. In summary, the available evidence is currently insufficient to determine the role of this variant in disease. Therefore, it has been classified as a Variant of Uncertain Significance.

NM_138459.5(NUS1):c.596A>C (p.Asp199Ala)

Gene: NUS1 (NUS1 dehydrodolichyl diphosphate synthase subunit; plus strand). Cytogenetic location: 6q22.1.
Variant type: single nucleotide variant.
Coding change: c.596A>C on transcript NM_138459.5 (MANE Select); coding-DNA position 596, A replaced by C.
Protein change: p.Asp199Ala; replaces aspartic acid 199 with alanine.
Molecular consequence: missense variant.
Genome position (GRCh38, 1-based): chr6:117,694,085, A>C. VCF-style: chr6-117694085-A-C. GRCh37 (hg19) VCF-style: chr6-118015248-A-C.
Other names: short protein forms D199A.
Identifiers: ClinVar variation 1371258 (VCV001371258.8), dbSNP rs765038821, ClinGen allele CA365537020.